The following is an entry in ClinVar:

ClinVar aggregate classification (germline): Likely pathogenic (1 of 4 stars; one submission).

Conditions:
3-Methylglutaconic aciduria type 3 (MGCA3). Also called: OPA3, AUTOSOMAL RECESSIVE; OPTIC ATROPHY 3, AUTOSOMAL RECESSIVE; Costeff Syndrome; OPA3-Related 3-Methylglutaconic Aciduria. Identifiers: Orphanet 67047, MedGen C0574084, MONDO:0009787, OMIM 258501.
Optic atrophy 3 (OPA3). Also called: Optic atrophy, cataract, and neurologic disorder; OPTIC ATROPHY 3, AUTOSOMAL DOMINANT; Optic atrophy 3 with cataract. Identifiers: Orphanet 67036, MedGen C1833809, MONDO:0008133, OMIM 165300.

Submission:

Labcorp Genetics (formerly Invitae), Labcorp
Classification: Likely pathogenic for 3-Methylglutaconic aciduria type 3; Optic atrophy 3. Last evaluated: 2022-06-04. Review status: criteria provided, single submitter. Criteria: Invitae Variant Classification Sherloc (09022015). Collection method: clinical testing. Allele origin: unknown.
Comment: This variant has not been reported in the literature in individuals affected with OPA3-related conditions. This variant is a gross deletion of the genomic region encompassing exon(s) 2 of the OPA3 gene, which includes the termination codon. This deletion extends beyond the assayed region for this gene and therefore may encompass additional genes. While this deletion is not anticipated to lead to nonsense mediated decay, it is expected to alter mRNA translation or result in a truncated protein product. This variant disrupts the C-terminus of the OPA3 protein. Other variant(s) that disrupt this region (p.Gly65Alafs*7, p.Gln139*) have been observed in individuals with OPA3-related conditions (PMID: 18985435, 27629047). This suggests that this may be a clinically significant region of the protein. In summary, the currently available evidence indicates that the variant is pathogenic, but additional data are needed to prove that conclusively. Therefore, this variant has been classified as Likely Pathogenic.

Literature cited by the submitters: PubMed 18985435; PubMed 27629047.

NC_000019.9:g.(?_46056772)_(46057189_?)del

Gene: OPA3 (outer mitochondrial membrane lipid metabolism regulator OPA3; minus strand). Cytogenetic location: 19q13.32.
Variant type: Deletion.
Identifiers: ClinVar variation 3248434 (VCV003248434.1).